The following is an entry in ClinVar:

NM_201384.3(PLEC):c.9079G>A (p.Ala3027Thr)

Gene: PLEC (plectin; minus strand). Cytogenetic location: 8q24.3.
Variant type: single nucleotide variant.
Coding change: c.9079G>A on transcript NM_201384.3 (MANE Select); coding-DNA position 9079, G replaced by A.
Protein change: p.Ala3027Thr; replaces alanine 3027 with threonine.
Molecular consequence: missense variant.
Genome position (GRCh38, 1-based): chr8:143,920,742, C>T on the plus strand (G>A on the coding strand, the complement: PLEC is on the minus strand). VCF-style: chr8-143920742-C-T. GRCh37 (hg19) VCF-style: chr8-144994910-C-T.
Other names: c.9160G>A (NM_000445.3); c.9160G>A, p.Ala3054Thr (NM_000445.5); c.9037G>A, p.Ala3013Thr (NM_201378.4); c.9013G>A, p.Ala3005Thr (NM_201379.3); c.9490G>A, p.Ala3164Thr (NM_201380.4); c.8983G>A, p.Ala2995Thr (NM_201381.3); c.9079G>A, p.Ala3027Thr (NM_201382.4); c.9091G>A, p.Ala3031Thr (NM_201383.3); short protein forms A3005T, A3027T, A3164T, A2995T, A3013T, A3031T, A3054T.
Identifiers: ClinVar variation 960453 (VCV000960453.9), dbSNP rs768113059, ClinGen allele CA4925082.

ClinVar aggregate classification (germline): Uncertain significance. Review status: criteria provided, multiple submitters, no conflicts (2 of 4 stars). 2 submissions from 2 submitters: Uncertain significance (2). Last evaluated 2025-11-17.

Conditions:
Epidermolysis bullosa simplex 5B, with muscular dystrophy (EBS5B). Also called: Epidermolysis bullosa simplex with muscular dystrophy; EPIDERMOLYSIS BULLOSA SIMPLEX AND LIMB-GIRDLE MUSCULAR DYSTROPHY. Identifiers: Orphanet 257, MedGen C2931072, MONDO:0009181, OMIM 226670.
Epidermolysis bullosa simplex, Ogna type (EBS5A). Also called: Pidermolysis bullosa simplex 5A, Ogna type; EPIDERMOLYSIS BULLOSA SIMPLEX 5A, OGNA TYPE. Identifiers: Orphanet 79401, MedGen C0432317, MONDO:0007555, OMIM 131950.
Autosomal recessive limb-girdle muscular dystrophy type 2Q (LGMDR17). Also called: MUSCULAR DYSTROPHY, LIMB-GIRDLE, AUTOSOMAL RECESSIVE 17. Identifiers: Orphanet 254361, MedGen C3150989, MONDO:0013390, OMIM 613723.
Epidermolysis bullosa simplex with nail dystrophy (EBS5D). Identifiers: MedGen C4225309, MONDO:0014661, OMIM 616487.
Epidermolysis bullosa simplex 5C, with pyloric atresia (EBS5C). Also called: Epidermolysis bullosa simplex with pyloric atresia; PLEC-Related Epidermolysis Bullosa with Pyloric Atresia; PLEC1-Related Epidermolysis Bullosa with Pyloric Atresia. Identifiers: Orphanet 158684, MedGen C2677349, MONDO:0012807, OMIM 612138.

Allele frequency attached by ClinVar (database versions not stated): gnomAD 0.00003 and 0.00004; TOPMed 0.00004; gnomAD exomes 0.00005; ExAC 0.00007.
gnomAD v4.1: 69 of 1,604,680 alleles (0.0043%); highest among the groups gnomAD compares: African/African-American, 0.0067%; no homozygotes.

Submissions (2):

Labcorp Genetics (formerly Invitae), Labcorp
Classification: Uncertain significance for Autosomal recessive limb-girdle muscular dystrophy type 2Q; Epidermolysis bullosa simplex, Ogna type; Epidermolysis bullosa simplex with nail dystrophy; Epidermolysis bullosa simplex 5C, with pyloric atresia; Epidermolysis bullosa simplex 5B, with muscular dystrophy. Last evaluated: 2025-11-17. Review status: criteria provided, single submitter. Criteria: Invitae Variant Classification Sherloc (09022015). Collection method: clinical testing. Allele origin: germline.
Comment: This sequence change replaces alanine, which is neutral and non-polar, with threonine, which is neutral and polar, at codon 3054 of the PLEC protein (p.Ala3054Thr). This variant is present in population databases (rs768113059, gnomAD 0.009%). This variant has not been reported in the literature in individuals affected with PLEC-related conditions. ClinVar contains an entry for this variant (Variation ID: 960453). Invitae Evidence Modeling of protein sequence and biophysical properties (such as structural, functional, and spatial information, amino acid conservation, physicochemical variation, residue mobility, and thermodynamic stability) has been performed for this missense variant. However, the output from this modeling did not meet the statistical confidence thresholds required to predict the impact of this variant on PLEC protein function. In summary, the available evidence is currently insufficient to determine the role of this variant in disease. Therefore, it has been classified as a Variant of Uncertain Significance.

Revvity Omics, Revvity
Classification: Uncertain significance. Last evaluated: 2021-02-09. Review status: criteria provided, single submitter. Criteria: ACMG Guidelines, 2015. Collection method: clinical testing. Allele origin: germline.